The following is an entry in ClinVar:

ClinVar aggregate classification (germline): Uncertain significance (1 of 4 stars; one submission).

Conditions:
Cardiomyopathy (CMYO). Also called: Cardiomyopathies. Identifiers: Orphanet 167848, MedGen C0878544, MONDO:0004994, HP:0001638. Inheritance: Various modes of inheritance.

Submission:

Color Diagnostics, LLC DBA Color Health
Classification: Uncertain significance for Cardiomyopathy. Last evaluated: 2025-03-10. Review status: criteria provided, single submitter. Criteria: ACMG Guidelines, 2015. Collection method: clinical testing. Allele origin: germline.
Comment: This variant deletes two nucleotides in the 5' untranslated region of the PRKAG2 gene. To our knowledge, functional studies have not been reported for this variant. This variant has not been reported in individuals affected with PRKAG2-related disorders in the literature. This variant has been identified in 1/246870 chromosomes in the general population by the Genome Aggregation Database (gnomAD). The available evidence is insufficient to determine the role of this variant in disease conclusively. Therefore, this variant is classified as a Variant of Uncertain Significance.

NM_016203.4(PRKAG2):c.-6AG[1]

Gene: PRKAG2 (protein kinase AMP-activated non-catalytic subunit gamma 2; minus strand). Cytogenetic location: 7q36.1.
Variant type: Microsatellite.
Coding change: c.-6AG[1] on transcript NM_016203.4 (MANE Select); one copy of the 2-base unit AG starting at c.-6; the reference has two copies in a row; one copy, 2 bases deleted.
Molecular consequence: 5 prime UTR variant.
Genome position (GRCh38, 1-based): chr7:151,876,623-151,876,624, CT deleted on the plus strand (AG on the coding strand, the reverse complement: PRKAG2 is on the minus strand); deleting any 2 consecutive bases within chr7:151,876,623-151,876,626 gives the same sequence; the position shown is the placement nearest the transcript's 3' end. VCF-style (leftmost placement, unchanged base first): chr7-151876622-ACT-A. GRCh37 (hg19) VCF-style: chr7-151573707-ACT-A.
Other names: c.-4_-3del (NM_016203.4).
Identifiers: ClinVar variation 921714 (VCV000921714.4), dbSNP rs1286229827, ClinGen allele CA578750082.